The following is an entry in ClinVar:

ClinVar aggregate classification (germline): Uncertain significance. Review status: criteria provided, multiple submitters, no conflicts (2 of 4 stars). 2 submissions from 2 submitters: Uncertain significance (2). Last evaluated 2025-05-06.

Conditions:
Developmental and epileptic encephalopathy. Identifiers: MedGen C5779964, MONDO:0100620.
Inborn genetic diseases. Identifiers: MedGen C0950123, MeSH D030342.

Allele frequency attached by ClinVar (database versions not stated): gnomAD 0.00001; gnomAD exomes 0.00001; TOPMed 0.00001.
gnomAD v4.1: 5 of 1,613,416 alleles (0.00031%); highest among the groups gnomAD compares: African/African-American, 0.004%; no homozygotes.

Submissions (2):

Ambry Genetics
Classification: Uncertain significance for Inborn genetic diseases. Last evaluated: 2025-05-06. Review status: criteria provided, single submitter. Criteria: Ambry Variant Classification Scheme 2023. Collection method: clinical testing. Allele origin: germline.

Labcorp Genetics (formerly Invitae), Labcorp
Classification: Uncertain significance for Early-infantile DEE. Last evaluated: 2022-11-08. Review status: criteria provided, single submitter. Criteria: Invitae Variant Classification Sherloc (09022015). Collection method: clinical testing. Allele origin: germline.
Comment: Algorithms developed to predict the effect of missense changes on protein structure and function (SIFT, PolyPhen-2, Align-GVGD) all suggest that this variant is likely to be tolerated. In summary, the available evidence is currently insufficient to determine the role of this variant in disease. Therefore, it has been classified as a Variant of Uncertain Significance. ClinVar contains an entry for this variant (Variation ID: 1371103). This variant has not been reported in the literature in individuals affected with CACNA2D2-related conditions. This variant is not present in population databases (gnomAD no frequency). This sequence change replaces isoleucine, which is neutral and non-polar, with valine, which is neutral and non-polar, at codon 1026 of the CACNA2D2 protein (p.Ile1026Val).

NM_006030.4(CACNA2D2):c.3076A>G (p.Ile1026Val)

Genes: CACNA2D2 (calcium voltage-gated channel auxiliary subunit alpha2delta 2; minus strand), LOC101928965 (uncharacterized LOC101928965; plus strand), LOC127898564 (CYB561D2-LOC101928965; plus strand). Cytogenetic location: 3p21.31.
Variant type: single nucleotide variant.
Coding change: c.3076A>G on transcript NM_006030.4 (MANE Select); coding-DNA position 3076, A replaced by G.
Protein change: p.Ile1026Val; replaces isoleucine 1026 with valine.
Molecular consequence: missense variant. On other transcripts: non-coding transcript variant (2).
Genome position (GRCh38, 1-based): chr3:50,365,378, T>C on the plus strand (A>G on the coding strand, the complement: CACNA2D2 is on the minus strand). VCF-style: chr3-50365378-T-C. GRCh37 (hg19) VCF-style: chr3-50402809-T-C.
Other names: c.3076A>G, p.Ile1026Val (NM_001005505.3); c.3097A>G, p.Ile1033Val (NM_001174051.3); c.2869A>G, p.Ile957Val (NM_001291101.1); c.3097A>G (NM_001174051.1); short protein forms I1026V, I957V, I1033V.
Identifiers: ClinVar variation 1371103 (VCV001371103.9), dbSNP rs1282276507, ClinGen allele CA352900928.